The following is an entry in ClinVar:

NM_000051.4(ATM):c.8248T>C (p.Leu2750=)

Genes: ATM (ATM serine/threonine kinase; plus strand), C11orf65 (chromosome 11 open reading frame 65; minus strand). Cytogenetic location: 11q22.3.
Variant type: single nucleotide variant.
Coding change: c.8248T>C on transcript NM_000051.4 (MANE Select); coding-DNA position 8248, T replaced by C.
Protein change: p.Leu2750=; no amino-acid change (leucine 2750 retained).
Molecular consequence: synonymous variant. On other transcripts: intron variant (2).
Genome position (GRCh38, 1-based): chr11:108,335,941, T>C. VCF-style: chr11-108335941-T-C. GRCh37 (hg19) VCF-style: chr11-108206668-T-C.
Other names: c.8248T>C, p.Leu2750= (NM_001351834.2); c.641-26870A>G (NM_001330368.2); c.695-649A>G (NM_001351110.2).
Identifiers: ClinVar variation 453724 (VCV000453724.17), dbSNP rs876658559, ClinGen allele CA476678197.
Genomic context (GRCh38, chr11:108,335,941, plus strand): 5'-CAGGTCTTCCAGATGTGTAATACATTACTGCAGAGAAACACGGAAACTAGGAAGAGGAAA[T>C]TAACTATCTGTACTTATAAGGTAACTATTTGTACTTCTGTTAGTTCACCAAAAACATATA-3'
Protein context (NP_000042.3, residues 2740-2760): QRNTETRKRK[Leu2750=]TICTYKVVPL

ClinVar aggregate classification (germline): Benign/Likely benign. Review status: criteria provided, multiple submitters, no conflicts (2 of 4 stars). 4 submissions from 4 submitters: Benign (1); Likely benign (3). Last evaluated 2026-01-05.

Conditions:
Hereditary cancer-predisposing syndrome. Also called: Neoplastic Syndromes, Hereditary; Hereditary Cancer Syndrome; Tumor predisposition; Hereditary neoplastic syndrome. Identifiers: Orphanet 140162, MedGen C0027672, MeSH D009386, MONDO:0015356.
Familial cancer of breast. Also called: Hereditary breast cancer; BREAST CANCER, FAMILIAL; hereditary breast carcinoma. Identifiers: Orphanet 227535, MedGen C0346153, MONDO:0016419, OMIM 114480. Disease mechanism: loss of function.
Ataxia-telangiectasia syndrome (AT). Also called: LOUIS-BAR SYNDROME; Cerebello-oculocutaneous telangiectasia; Immunodeficiency with ataxia telangiectasia; Ataxia-telangiectasia, complementation group D; AT, COMPLEMENTATION GROUP C; Ataxia-telangiectasia, complementation group E. Identifiers: Orphanet 100, MedGen C0004135, MONDO:0008840, OMIM 208900.

Allele frequency attached by ClinVar (database versions not stated): gnomAD 0.00003.
gnomAD v4.1: 21 of 1,611,508 alleles (0.0013%); no homozygotes.

Submissions (4):

Labcorp Genetics (formerly Invitae), Labcorp
Classification: Likely benign for Ataxia-telangiectasia syndrome. Last evaluated: 2026-01-05. Review status: criteria provided, single submitter. Criteria: Invitae Variant Classification Sherloc (09022015). Collection method: clinical testing. Allele origin: germline.

Blueprint Genetics
Classification: Likely benign. Last evaluated: 2024-10-18. Review status: criteria provided, single submitter. Criteria: ACMG Guidelines, 2015. Collection method: clinical testing. Allele origin: germline.

Myriad Genetics, Inc.
Classification: Benign for Familial cancer of breast. Last evaluated: 2024-06-18. Review status: criteria provided, single submitter. Criteria: Myriad Autosomal Dominant, Autosomal Recessive and X-Linked Classification Criteria (2023). Collection method: clinical testing. Allele origin: unknown.
Comment: This variant is considered benign. This variant is a silent/synonymous amino acid change and it is not expected to impact splicing.

Ambry Genetics
Classification: Likely benign for Hereditary cancer-predisposing syndrome. Last evaluated: 2022-08-28. Review status: criteria provided, single submitter. Criteria: Ambry Variant Classification Scheme 2023. Collection method: clinical testing. Allele origin: germline.